The following is an entry in ClinVar:

ClinVar aggregate classification (germline): Pathogenic (1 of 4 stars; one submission).

Conditions:
Congenital factor V deficiency. Also called: Hereditary factor V deficiency disease; LABILE FACTOR DEFICIENCY; OWREN PARAHEMOPHILIA; PARAHEMOPHILIA. Identifiers: Orphanet 326, MedGen C0015499, MONDO:0009210, OMIM 227400.

Submission:

Labcorp Genetics (formerly Invitae), Labcorp
Classification: Pathogenic for Congenital factor V deficiency. Last evaluated: 2023-12-13. Review status: criteria provided, single submitter. Criteria: Invitae Variant Classification Sherloc (09022015). Collection method: clinical testing. Allele origin: germline.
Comment: This sequence change creates a premature translational stop signal (p.Cys329*) in the F5 gene. It is expected to result in an absent or disrupted protein product. Loss-of-function variants in F5 are known to be pathogenic (PMID: 30924984). This variant is not present in population databases (gnomAD no frequency). This variant has not been reported in the literature in individuals affected with F5-related conditions. For these reasons, this variant has been classified as Pathogenic.

Literature cited by the submitters: PubMed 30924984.

NM_000130.5(F5):c.987C>A (p.Cys329Ter)

Gene: F5 (coagulation factor V; minus strand). Cytogenetic location: 1q24.2.
Variant type: single nucleotide variant.
Coding change: c.987C>A on transcript NM_000130.5 (MANE Select); coding-DNA position 987, C replaced by A.
Protein change: p.Cys329Ter; replaces cysteine 329 with a stop codon.
Molecular consequence: nonsense.
Genome position (GRCh38, 1-based): chr1:169,555,313, G>T on the plus strand (C>A on the coding strand, the complement: F5 is on the minus strand). VCF-style: chr1-169555313-G-T. GRCh37 (hg19) VCF-style: chr1-169524551-G-T.
Other names: short protein forms C329*.
Identifiers: ClinVar variation 2702927 (VCV002702927.3), dbSNP rs2526430459, ClinGen allele CA343132226.
Genomic context (GRCh38, chr1:169,555,313, plus strand): 5'-CCTCTTCATGTGCCGCCTCTGCTCACGAGTTATTTTCTTAAGATTCCTGGTTTTCTTTGG[G>T]CAGTTTTTAATGTCAATGTAAGCCTGCATCCCAGCTGAGTTAGGACAGAAAGACAATGAA-3'